The following is an entry in ClinVar:

ClinVar aggregate classification (germline): Uncertain significance (1 of 4 stars; one submission).

Allele frequency attached by ClinVar (database versions not stated): gnomAD exomes below 0.00001 and 0.00001; ExAC 0.00001; gnomAD 0.00003 and 0.00004; ESP Exome Variant Server 0.00008; TOPMed 0.00008.
gnomAD v4.1: 11 of 1,614,010 alleles (0.00068%); highest among the groups gnomAD compares: African/African-American, 0.015%; no homozygotes.

Submission:

Labcorp Genetics (formerly Invitae), Labcorp
Classification: Uncertain significance. Last evaluated: 2022-11-22. Review status: criteria provided, single submitter. Criteria: Invitae Variant Classification Sherloc (09022015). Collection method: clinical testing. Allele origin: germline.
Comment: In summary, the available evidence is currently insufficient to determine the role of this variant in disease. Therefore, it has been classified as a Variant of Uncertain Significance. Advanced modeling of protein sequence and biophysical properties (such as structural, functional, and spatial information, amino acid conservation, physicochemical variation, residue mobility, and thermodynamic stability) performed at Invitae indicates that this missense variant is not expected to disrupt EFL1 protein function. ClinVar contains an entry for this variant (Variation ID: 1436872). This variant has not been reported in the literature in individuals affected with EFL1-related conditions. This variant is present in population databases (rs373455698, gnomAD 0.02%). This sequence change replaces methionine, which is neutral and non-polar, with isoleucine, which is neutral and non-polar, at codon 776 of the EFL1 protein (p.Met776Ile).

NM_024580.6(EFL1):c.2328G>A (p.Met776Ile)

Gene: EFL1 (elongation factor like GTPase 1; minus strand). Cytogenetic location: 15q25.2.
Variant type: single nucleotide variant.
Coding change: c.2328G>A on transcript NM_024580.6 (MANE Select); coding-DNA position 2328, G replaced by A.
Protein change: p.Met776Ile; replaces methionine 776 with isoleucine.
Molecular consequence: missense variant. On other transcripts: non-coding transcript variant (1).
Genome position (GRCh38, 1-based): chr15:82,152,126, C>T on the plus strand (G>A on the coding strand, the complement: EFL1 is on the minus strand). VCF-style: chr15-82152126-C-T. GRCh37 (hg19) VCF-style: chr15-82444467-C-T.
Other names: c.2175G>A, p.Met725Ile (NM_001040610.3); c.1539G>A, p.Met513Ile (NM_001322844.2); c.2328G>A, p.Met776Ile (NM_001322845.2); short protein forms M776I, M513I, M725I.
Identifiers: ClinVar variation 1436872 (VCV001436872.6), dbSNP rs373455698, ClinGen allele CA7697764.